The following is an entry in ClinVar:

ClinVar aggregate classification (germline): Uncertain significance (1 of 4 stars; one submission).

Allele frequency attached by ClinVar (database versions not stated): gnomAD exomes below 0.00001.
gnomAD v4.1: 1 of 1,613,234 alleles (0.000062%); highest among the groups gnomAD compares: African/African-American, 0.0013%; no homozygotes.

Submission:

Labcorp Genetics (formerly Invitae), Labcorp
Classification: Uncertain significance. Last evaluated: 2023-01-23. Review status: criteria provided, single submitter. Criteria: Invitae Variant Classification Sherloc (09022015). Collection method: clinical testing. Allele origin: germline.
Comment: This variant is not present in population databases (gnomAD no frequency). This sequence change replaces alanine, which is neutral and non-polar, with proline, which is neutral and non-polar, at codon 931 of the COL2A1 protein (p.Ala931Pro). This variant has not been reported in the literature in individuals affected with COL2A1-related conditions. Advanced modeling of protein sequence and biophysical properties (such as structural, functional, and spatial information, amino acid conservation, physicochemical variation, residue mobility, and thermodynamic stability) performed at Invitae indicates that this missense variant is not expected to disrupt COL2A1 protein function. In summary, the available evidence is currently insufficient to determine the role of this variant in disease. Therefore, it has been classified as a Variant of Uncertain Significance.

NM_001844.5(COL2A1):c.2791G>C (p.Ala931Pro)

Gene: COL2A1 (collagen type II alpha 1 chain; minus strand). Cytogenetic location: 12q13.11.
Variant type: single nucleotide variant.
Coding change: c.2791G>C on transcript NM_001844.5 (MANE Select); coding-DNA position 2791, G replaced by C.
Protein change: p.Ala931Pro; replaces alanine 931 with proline.
Molecular consequence: missense variant.
Genome position (GRCh38, 1-based): chr12:47,978,701, C>G on the plus strand (G>C on the coding strand, the complement: COL2A1 is on the minus strand). VCF-style: chr12-47978701-C-G. GRCh37 (hg19) VCF-style: chr12-48372484-C-G.
Other names: c.2584G>C, p.Ala862Pro (NM_033150.3); short protein forms A862P, A931P.
Identifiers: ClinVar variation 2829186 (VCV002829186.3), dbSNP rs2540113566, ClinGen allele CA384542318.